The following is an entry in ClinVar:

NM_014704.4(CEP104):c.590T>C (p.Leu197Pro)

Gene: CEP104 (centrosomal protein 104; minus strand). Cytogenetic location: 1p36.32.
Variant type: single nucleotide variant.
Coding change: c.590T>C on transcript NM_014704.4 (MANE Select); coding-DNA position 590, T replaced by C.
Protein change: p.Leu197Pro; replaces leucine 197 with proline.
Molecular consequence: missense variant.
Genome position (GRCh38, 1-based): chr1:3,839,753, A>G on the plus strand (T>C on the coding strand, the complement: CEP104 is on the minus strand). VCF-style: chr1-3839753-A-G. GRCh37 (hg19) VCF-style: chr1-3756317-A-G.
Other names: short protein forms L197P.
Identifiers: ClinVar variation 2414602 (VCV002414602.6), dbSNP rs1644380333, ClinGen allele CA338043815.

ClinVar aggregate classification (germline): Uncertain significance (1 of 4 stars; one submission).

Conditions:
Joubert syndrome 25 (JBTS25). Identifiers: Orphanet 475, MedGen C4084842, MONDO:0014770, OMIM 616781.

Allele frequency attached by ClinVar (database versions not stated): TOPMed below 0.00001.

Submission:

Labcorp Genetics (formerly Invitae), Labcorp
Classification: Uncertain significance for Joubert syndrome 25. Last evaluated: 2022-04-29. Review status: criteria provided, single submitter. Criteria: Invitae Variant Classification Sherloc (09022015). Collection method: clinical testing. Allele origin: germline.
Comment: In summary, the available evidence is currently insufficient to determine the role of this variant in disease. Therefore, it has been classified as a Variant of Uncertain Significance. Algorithms developed to predict the effect of missense changes on protein structure and function are either unavailable or do not agree on the potential impact of this missense change (SIFT: "Deleterious"; PolyPhen-2: "Probably Damaging"; Align-GVGD: "Class C0"). This variant has not been reported in the literature in individuals affected with CEP104-related conditions. This variant is not present in population databases (gnomAD no frequency). This sequence change replaces leucine, which is neutral and non-polar, with proline, which is neutral and non-polar, at codon 197 of the CEP104 protein (p.Leu197Pro).